The following is an entry in ClinVar:

NM_003072.5(SMARCA4):c.3912G>A (p.Gln1304=)

Gene: SMARCA4 (SWI/SNF related BAF chromatin remodeling complex subunit ATPase 4; plus strand). Cytogenetic location: 19p13.2.
Variant type: single nucleotide variant.
Coding change: c.3912G>A on transcript NM_003072.5 (MANE Select); coding-DNA position 3912, G replaced by A.
Protein change: p.Gln1304=; no amino-acid change (glutamine 1304 retained).
Molecular consequence: synonymous variant. On other transcripts: non-coding transcript variant (1).
Genome position (GRCh38, 1-based): chr19:11,034,161, G>A. VCF-style: chr19-11034161-G-A. GRCh37 (hg19) VCF-style: chr19-11144837-G-A.
Other names: c.3912G>A, p.Gln1304= (NM_001128844.3, NM_001128849.3); c.3813G>A, p.Gln1271= (NM_001128845.2, NM_001128846.2, NM_001128847.4 and 2 more transcripts).
Identifiers: ClinVar variation 796080 (VCV000796080.14), dbSNP rs1243671299, ClinGen allele CA505493175.

ClinVar aggregate classification (germline): Benign/Likely benign. Review status: criteria provided, multiple submitters, no conflicts (2 of 4 stars). 3 submissions from 3 submitters: Benign (1); Likely benign (2). Last evaluated 2026-07-15.

Conditions:
Hereditary cancer-predisposing syndrome. Also called: Hereditary neoplastic syndrome; Neoplastic Syndromes, Hereditary; Tumor predisposition; Hereditary Cancer Syndrome. Identifiers: Orphanet 140162, MedGen C0027672, MeSH D009386, MONDO:0015356.
Rhabdoid tumor predisposition syndrome 2 (RTPS2). Identifiers: Orphanet 231108, Orphanet 69077, MedGen C2750074, MONDO:0013224, OMIM 613325.

Allele frequency attached by ClinVar (database versions not stated): gnomAD exomes below 0.00001; TOPMed below 0.00001.
gnomAD v4.1: 1 of 1,613,920 alleles (0.000062%); highest among the groups gnomAD compares: South Asian, 0.0011%; no homozygotes.

Submissions (3):

Myriad Genetics, Inc.
Classification: Benign for Rhabdoid tumor predisposition syndrome 2. Last evaluated: 2026-07-15. Review status: criteria provided, single submitter. Criteria: Myriad Autosomal Dominant, Autosomal Recessive and X-Linked Classification Criteria (2023). Collection method: clinical testing. Allele origin: unknown.
Comment: This variant is considered benign. This variant is a silent/synonymous amino acid change and it is not expected to impact splicing.

Labcorp Genetics (formerly Invitae), Labcorp
Classification: Likely benign for Rhabdoid tumor predisposition syndrome 2. Last evaluated: 2025-11-12. Review status: criteria provided, single submitter. Criteria: Invitae Variant Classification Sherloc (09022015). Collection method: clinical testing. Allele origin: germline.

Ambry Genetics
Classification: Likely benign for Hereditary cancer-predisposing syndrome. Last evaluated: 2017-09-30. Review status: criteria provided, single submitter. Criteria: Ambry Variant Classification Scheme 2023. Collection method: clinical testing. Allele origin: germline.